The following is an entry in ClinVar:

ClinVar aggregate classification (germline): Pathogenic/Likely pathogenic. Review status: criteria provided, multiple submitters, no conflicts (2 of 4 stars). 3 submissions from 3 submitters: Pathogenic (1); Likely pathogenic (1). 1 of the submissions does not count toward it. Last evaluated 2025-08-05.

Conditions:
COL18A1-related disorder. Also called: COL18A1-related condition; COL18A1-related disorders.
Knobloch syndrome (KNO). Also called: Myopia retinal detachment encephalocele; RETINAL DETACHMENT AND OCCIPITAL ENCEPHALOCELE. Identifiers: Orphanet 1571, MedGen C1849409, MONDO:0800166.

Submissions (3):

PreventionGenetics, part of Exact Sciences
Classification: Likely pathogenic for COL18A1-related condition. Last evaluated: 2025-08-05. Review status: criteria provided, single submitter. Criteria: ACMG Guidelines, 2015. Collection method: clinical testing. Allele origin: germline.
Comment: The COL18A1 c.3363dupC variant is predicted to result in a frameshift and premature protein termination (p.Gly1122Argfs*142). This variant has been reported in the compound heterozygous state in two siblings with Knobloch syndrome (referred to as c.3363_3364insC, Menzel et al. 2004. PubMed ID: 14695535). This variant has not been reported in a large population database (gnomAD), indicating this variant is rare. Frameshift variants in COL18A1 are expected to be pathogenic. This variant is interpreted as likely pathogenic.

GeneDx
Classification: Pathogenic. Last evaluated: 2025-02-07. Review status: criteria provided, single submitter. Criteria: GeneDx Variant Classification Process June 2021. Collection method: clinical testing. Allele origin: germline. Affected: yes.
Comment: Identified in siblings with Knobloch syndrome in published literature, also known as c.3363_3364insC (PMID: 14695535); Frameshift variant predicted to result in protein truncation or nonsense mediated decay in a gene for which loss-of-function is a known mechanism of disease; Not observed at significant frequency in large population cohorts (gnomAD); This variant is associated with the following publications: (PMID: 14695535)

OMIM
Classification: Pathogenic for KNOBLOCH SYNDROME 1. Last evaluated: 2004-01-01. Review status: no assertion criteria provided. Collection method: literature only. Allele origin: germline. Not counted in ClinVar's aggregate classification.

Literature cited by the submitters: PubMed 1554013 (cited by OMIM); PubMed 14695535 (cited by OMIM).

NM_001379500.1(COL18A1):c.2823dup (p.Gly942fs)

Genes: COL18A1 (collagen type XVIII alpha 1 chain; plus strand), SLC19A1 (solute carrier family 19 member 1; minus strand). Cytogenetic location: 21q22.3.
Variant type: Duplication.
Coding change: c.2823dup on transcript NM_001379500.1 (MANE Select); coding-DNA position 2823, one base duplicated (C; older notation c.2823dupC).
Protein change: p.Gly942fs; shifts the reading frame from glycine 942.
Molecular consequence: frameshift variant.
Genome position (GRCh38, 1-based): chr21:45,504,511, C duplicated; the last of 7 consecutive C bases (chr21:45,504,505-45,504,511); duplicating any one gives the same sequence. VCF-style (leftmost placement, unchanged base first): chr21-45504504-G-GC. GRCh37 (hg19) VCF-style: chr21-46924418-G-GC.
Other names: NM_130445.2:c.2823dup; c.3363dup, p.Gly1122fs (NM_030582.4); c.4068dup, p.Gly1357fs (NM_130444.3); c.3363dupC (NM_030582.3); short protein forms G1357fs, G1122fs, G942fs.
Identifiers: ClinVar variation 17117 (VCV000017117.7), dbSNP rs769882681, ClinGen allele CA10575533.
Genomic context (GRCh38, chr21:45,504,504, plus strand): 5'-GACAGAAAGGCGAAAGGGGGGAGCCCGGGGGCGGCGGTTTCTTCGGCTCCAGCCTGCCCG[G>GC]CCCCCCCGGCCCCCCAGGCCCCCCAGGCCCACGTGGCTACCCTGGGATTCCAGTAAGTCC-3'